The following is an entry in ClinVar:

NM_000088.3(COL1A1):c.2345del

Gene: COL1A1 (collagen type I alpha 1 chain; minus strand). Cytogenetic location: 17q21.33.
Variant type: Deletion.
Coding change: c.2345del on transcript NM_000088.3; coding-DNA position 2345, one base deleted (G; older notation c.2345delG).
Genome position (GRCh38, 1-based): chr17:50,190,595, C deleted on the plus strand (G on the coding strand, the reverse complement: COL1A1 is on the minus strand); the first of 3 consecutive C bases (chr17:50,190,595-50,190,597); deleting any one gives the same sequence. VCF-style (leftmost placement, unchanged base first): chr17-50190594-AC-A. GRCh37 (hg19) VCF-style: chr17-48267955-AC-A.
Identifiers: ClinVar variation 2811727 (VCV002811727.4), dbSNP rs2509192248, ClinGen allele CA2739268244.

ClinVar aggregate classification (germline): Pathogenic. Review status: criteria provided, multiple submitters, no conflicts (2 of 4 stars). 2 submissions from 2 submitters: Pathogenic (2). Last evaluated 2022-11-03.

Conditions:
Osteogenesis imperfecta type III (OI3). Also called: Osteogenesis imperfecta type 3; OI type 3; Osteogenesis imperfecta, progressively deforming with normal sclerae; OI type III; Progressively Deforming Osteogenesis Imperfecta. Identifiers: Orphanet 216812, Orphanet 666, MedGen C0268362, MONDO:0009804, OMIM 259420.
Osteogenesis imperfecta type I (OI1). Also called: OI, TYPE I; OSTEOGENESIS IMPERFECTA TARDA; OSTEOGENESIS IMPERFECTA WITH BLUE SCLERAE; Osteogenesis imperfecta type 1; Lobstein's Disease; Lobstein disease. Identifiers: Orphanet 216796, Orphanet 666, MedGen C0023931, MONDO:0008146, OMIM 166200. Disease mechanism: loss of function.

Submissions (2):

Labcorp Genetics (formerly Invitae), Labcorp
Classification: Pathogenic for Osteogenesis imperfecta type I. Last evaluated: 2022-11-03. Review status: criteria provided, single submitter. Criteria: Invitae Variant Classification Sherloc (09022015). Collection method: clinical testing. Allele origin: germline.
Comment: For these reasons, this variant has been classified as Pathogenic. This variant has not been reported in the literature in individuals affected with COL1A1-related conditions. This variant is not present in population databases (gnomAD no frequency). This sequence change creates a premature translational stop signal (p.Gly782Valfs*326) in the COL1A1 gene. It is expected to result in an absent or disrupted protein product. Loss-of-function variants in COL1A1 are known to be pathogenic (PMID: 7942841, 9295084, 9443882).

Clinical Genetics Service, Universitary Hospital 12 de Octubre
Classification: Pathogenic for Osteogenesis imperfecta type III. Review status: criteria provided, single submitter. Criteria: ACMG Guidelines, 2015. Collection method: clinical testing. Allele origin: germline. Affected: yes.

Literature cited by the submitters: PubMed 7942841 (cited by Labcorp Genetics (formerly Invitae), Labcorp); PubMed 9295084 (cited by Labcorp Genetics (formerly Invitae), Labcorp); PubMed 9443882 (cited by Labcorp Genetics (formerly Invitae), Labcorp).